The following is an entry in ClinVar:

ClinVar aggregate classification (germline): Pathogenic/Likely pathogenic. Review status: criteria provided, multiple submitters, no conflicts (2 of 4 stars). 2 submissions from 2 submitters: Pathogenic (1); Likely pathogenic (1). Last evaluated 2025-08-01.

Conditions:
Acyl-CoA dehydrogenase 9 deficiency. Also called: Acyl-CoA dehydrogenase family, member 9, deficiency of; MITOCHONDRIAL COMPLEX I DEFICIENCY, NUCLEAR TYPE 20. Identifiers: Orphanet 99901, MedGen C4747517, MONDO:0012624, OMIM 611126.

Submissions (2):

Natera, Inc.
Classification: Likely pathogenic for ACAD9 deficiency. Last evaluated: 2025-08-01. Review status: criteria provided, single submitter. Criteria: Natera Variant Classification Schema (03/2026). Collection method: clinical testing. Allele origin: germline.
Comment: The c.153_156del variant in ACAD9 is a frameshift variant predicted to shift the reading frame beginning at codon 52 and leads to a stop codon 49 codons downstream. This variant is expected to result in nonsense mediated decay, truncation, or a dysfunctional protein product. This variant is rare in the general population with a frequency below the threshold expected for the associated phenotype(s). Given the available evidence, this variant is classified as Likely Pathogenic.

Labcorp Genetics (formerly Invitae), Labcorp
Classification: Pathogenic. Last evaluated: 2023-02-23. Review status: criteria provided, single submitter. Criteria: Invitae Variant Classification Sherloc (09022015). Collection method: clinical testing. Allele origin: germline.
Comment: For these reasons, this variant has been classified as Pathogenic. Algorithms developed to predict the effect of sequence changes on RNA splicing suggest that this variant may disrupt the consensus splice site. This variant has not been reported in the literature in individuals affected with ACAD9-related conditions. This variant is present in population databases (rs762859894, gnomAD 0.004%). This sequence change creates a premature translational stop signal (p.Glu52Phefs*49) in the ACAD9 gene. It is expected to result in an absent or disrupted protein product. Loss-of-function variants in ACAD9 are known to be pathogenic (PMID: 25721401).

Literature cited by the submitters: PubMed 25721401 (cited by Labcorp Genetics (formerly Invitae), Labcorp).

NM_014049.4(ACAD9):c.153_156del

Gene: ACAD9 (acyl-CoA dehydrogenase family member 9; plus strand). Cytogenetic location: 3q21.3.
Variant type: Microsatellite.
Coding change: c.153_156del on transcript NM_014049.4; coding-DNA positions 153 to 156, 4 bases deleted (AGAA; older notation c.153_156delAGAA).
Molecular consequence: intron variant (on NM_001410805.1).
Genome position (GRCh38, 1-based): chr3:128,884,655-128,884,658, AGAA deleted; deleting any 4 consecutive bases within chr3:128,884,651-128,884,658 gives the same sequence; the c. name uses the placement nearest the transcript's 3' end. VCF-style (leftmost placement, unchanged base first): chr3-128884650-TAGAA-T. GRCh37 (hg19) VCF-style: chr3-128603493-TAGAA-T.
Other names: c.-126+4814_-126+4817del (NM_001410805.1).
Identifiers: ClinVar variation 1453047 (VCV001453047.8), dbSNP rs762859894, ClinGen allele CA2601064.